The following is an entry in ClinVar:

NM_014009.4(FOXP3):c.1291C>T (p.Pro431Ser)

Gene: FOXP3 (forkhead box P3; minus strand). Cytogenetic location: Xp11.23.
Variant type: single nucleotide variant.
Coding change: c.1291C>T on transcript NM_014009.4 (MANE Select); coding-DNA position 1291, C replaced by T.
Protein change: p.Pro431Ser; replaces proline 431 with serine.
Molecular consequence: missense variant.
Genome position (GRCh38, 1-based): chrX:49,251,339, G>A on the plus strand (C>T on the coding strand, the complement: FOXP3 is on the minus strand). VCF-style: chrX-49251339-G-A. GRCh37 (hg19) VCF-style: chrX-49107800-G-A.
Other names: c.1186C>T, p.Pro396Ser (NM_001114377.2); short protein forms P431S, P396S.
Identifiers: ClinVar variation 3682659 (VCV003682659.2).

ClinVar aggregate classification (germline): Uncertain significance (1 of 4 stars; one submission).

Conditions:
Insulin-dependent diabetes mellitus secretory diarrhea syndrome (IPEX). Also called: Immunodeficiency, Polyendocrinopathy, and Enteropathy X-Linked Syndrome; X-Linked Syndrome of Polyendocrinopathy, Immune Dysfunction, and Diarrhea; DIABETES MELLITUS, CONGENITAL INSULIN-DEPENDENT, WITH FATAL SECRETORY DIARRHEA; DIARRHEA, POLYENDOCRINOPATHY, FATAL INFECTION SYNDROME, X-LINKED; ENTEROPATHY, AUTOIMMUNE, WITH HEMOLYTIC ANEMIA AND POLYENDOCRINOPATHY; IMMUNODEFICIENCY, POLYENDOCRINOPATHY, AND ENTEROPATHY, X-LINKED. Identifiers: Orphanet 37042, MedGen C0342288, MONDO:0010580, OMIM 304790. Disease mechanism: loss of function.

Submission:

Labcorp Genetics (formerly Invitae), Labcorp
Classification: Uncertain significance for Insulin-dependent diabetes mellitus secretory diarrhea syndrome. Last evaluated: 2024-08-31. Review status: criteria provided, single submitter. Criteria: Invitae Variant Classification Sherloc (09022015). Collection method: clinical testing. Allele origin: germline.
Comment: This sequence change replaces proline, which is neutral and non-polar, with serine, which is neutral and polar, at codon 431 of the FOXP3 protein (p.Pro431Ser). This variant is not present in population databases (gnomAD no frequency). This variant has not been reported in the literature in individuals affected with FOXP3-related conditions. An algorithm developed to predict the effect of missense changes on protein structure and function outputs the following: PolyPhen-2: "Probably Damaging". The serine amino acid residue is found in multiple mammalian species, which suggests that this missense change does not adversely affect protein function. In summary, the available evidence is currently insufficient to determine the role of this variant in disease. Therefore, it has been classified as a Variant of Uncertain Significance.